The following is an entry in ClinVar:

NM_001845.6(COL4A1):c.1611dup (p.Arg538fs)

Gene: COL4A1 (collagen type IV alpha 1 chain; minus strand). Cytogenetic location: 13q34.
Variant type: Duplication.
Coding change: c.1611dup on transcript NM_001845.6 (MANE Select); coding-DNA position 1611, one base duplicated (G; older notation c.1611dupG).
Protein change: p.Arg538fs; shifts the reading frame from arginine 538.
Molecular consequence: frameshift variant.
Genome position (GRCh38, 1-based): chr13:110,187,255, C duplicated on the plus strand (G on the coding strand, the reverse complement: COL4A1 is on the minus strand). VCF-style (leftmost placement, unchanged base first): chr13-110187254-G-GC. GRCh37 (hg19) VCF-style: chr13-110839601-G-GC.
Other names: short protein forms R538fs.
Identifiers: ClinVar variation 1402997 (VCV001402997.6), dbSNP rs2139174027, ClinGen allele CA2573149433.

ClinVar aggregate classification (germline): Pathogenic (1 of 4 stars; one submission).

Submission:

Labcorp Genetics (formerly Invitae), Labcorp
Classification: Pathogenic. Last evaluated: 2021-02-17. Review status: criteria provided, single submitter. Criteria: Invitae Variant Classification Sherloc (09022015). Collection method: clinical testing. Allele origin: germline.
Comment: This variant has not been reported in the literature in individuals with COL4A1-related conditions. This variant is not present in population databases (ExAC no frequency). This sequence change creates a premature translational stop signal (p.Arg538Alafs*5) in the COL4A1 gene. It is expected to result in an absent or disrupted protein product. Loss-of-function variants in COL4A1 are known to be pathogenic (PMID: 23225343). For these reasons, this variant has been classified as Pathogenic.

Literature cited by the submitters: PubMed 23225343.